The following is an entry in ClinVar:

ClinVar aggregate classification (germline): Uncertain significance (1 of 4 stars; one submission).

Conditions:
Colorectal cancer, susceptibility to, 12 (CRCS12). Also called: COLORECTAL CANCER, SUSCEPTIBILITY TO, ON CHROMOSOME 12q24. Identifiers: Orphanet 220460, MedGen C3554460, MONDO:0014038, OMIM 615083.

Submission:

Labcorp Genetics (formerly Invitae), Labcorp
Classification: Uncertain significance for Colorectal cancer, susceptibility to, 12. Last evaluated: 2018-06-05. Review status: criteria provided, single submitter. Criteria: Invitae Variant Classification Sherloc (09022015). Collection method: clinical testing. Allele origin: germline.
Comment: This variant is a gross deletion of the genomic region encompassing exons 46-49 of the POLE gene. The 5' boundary is likely confined to intron 45. The 3' end of this event is unknown as it extends through the termination codon beyond the assayed region for this gene and may encompass additional genes. While this deletion is not anticipated to result in nonsense mediated decay, it is expected to create a truncated protein product or disrupt mRNA translation. This variant has not been reported in the literature in individuals with POLE-related disease. Missense variants that disrupt the 3'-5' exonuclease (proof-reading) activity of the POLE protein, while not abolishing its polymerase enzyme activity, are associated with an increased risk for colonic adenomatous polyps and colon cancer (PMID: 23263490, 23447401). Loss-of-function truncating variants, which result in an absent or severely disrupted POLE protein, are therefore unlikely to be associated with disease. Without further clinical and genetic evidence, however, this variant has been classified as a Variant of Uncertain Significance.

Literature cited by the submitters: PubMed 23447401; PubMed 23263490.

NC_000012.12:g.(?_132624687)_(132626327_?)del

Gene: POLE (DNA polymerase epsilon, catalytic subunit; minus strand). Cytogenetic location: 12q24.33.
Variant type: Deletion.
Identifiers: ClinVar variation 583937 (VCV000583937.1).